The following is an entry in ClinVar:

ClinVar aggregate classification (germline): Uncertain significance (1 of 4 stars; one submission).

Conditions:
Fabry disease. Also called: ALPHA-GALACTOSIDASE A DEFICIENCY; ANDERSON-FABRY DISEASE; CERAMIDE TRIHEXOSIDASE DEFICIENCY; GLA DEFICIENCY; HEREDITARY DYSTOPIC LIPIDOSIS; Angiokeratoma corporis diffusum. Identifiers: Orphanet 324, MedGen C0002986, MONDO:0010526, OMIM 301500, HP:0001071. Disease mechanism: Fabry disease is due to inactivating mutations in the X-linked GLA gene resulting in deficiency of the enzyme Alpha Galactosidase-A., loss of function.

gnomAD v4.1: 1 of 1,204,305 alleles (0.000083%); highest among the groups gnomAD compares: Non-Finnish European, 0.00011%; no homozygotes.

Submission:

Genomenon, Inc
Classification: Uncertain significance for Fabry disease. Last evaluated: 2026-09-08. Review status: criteria provided, single submitter. Criteria: Genomenon Sequence Variant Interpretation Standards - Updated. Collection method: curation. Allele origin: germline. Affected: no.
Comment: GLA c.801+21T>C is an intronic variant located in intron 5. This variant has been reported in the published literature (PMID:26866599). It is absent or not present at a significant frequency in gnomAD. In conclusion, we classify GLA c.801+21T>C as a variant of uncertain significance.

Literature cited by the submitters: PubMed 26866599.

NM_000169.3(GLA):c.801+21T>C

Genes: GLA (galactosidase alpha; minus strand), RPL36A-HNRNPH2 (RPL36A-HNRNPH2 readthrough; plus strand). Cytogenetic location: Xq22.1.
Variant type: single nucleotide variant.
Coding change: c.801+21T>C on transcript NM_000169.3 (MANE Select); 21 bases into the intron after coding-DNA position 801, T replaced by C.
Molecular consequence: intron variant.
Genome position (GRCh38, 1-based): chrX:101,398,764, A>G on the plus strand (T>C on the coding strand, the complement: GLA is on the minus strand). VCF-style: chrX-101398764-A-G. GRCh37 (hg19) VCF-style: chrX-100653752-A-G.
Other names: c.300+3307A>G (NM_001199973.2); c.177+6942A>G (NM_001199974.2); c.924+21T>C (NM_001406747.1); c.801+21T>C (NM_001406748.1).
Identifiers: ClinVar variation 4087130 (VCV004087130.2).